The following is an entry in ClinVar:

NM_001166208.2(SYNPO):c.230del (p.Pro77fs)

Gene: SYNPO (synaptopodin; plus strand). Cytogenetic location: 5q33.1.
Variant type: Deletion.
Coding change: c.230del on transcript NM_001166208.2; coding-DNA position 230, one base deleted (C; older notation c.230delC).
Protein change: p.Pro77fs; shifts the reading frame from proline 77.
Molecular consequence: frameshift variant.
Genome position (GRCh38, 1-based): chr5:150,618,597, C deleted; the last of 2 consecutive C bases (chr5:150,618,596-150,618,597); deleting either gives the same sequence. VCF-style (leftmost placement, unchanged base first): chr5-150618595-AC-A. GRCh37 (hg19) VCF-style: chr5-149998157-AC-A.
Other names: c.230del, p.Pro77fs (NM_001166209.2); short protein forms P77fs.
Identifiers: ClinVar variation 2631075 (VCV002631075.1), dbSNP rs2480208089, ClinGen allele CA2695198765.
Genomic context (GRCh38, chr5:150,618,595, plus strand): 5'-AGAGGATGAGGGGGTCAGCAGGAGTGGGGACGACTCTGCCTGCAGAGTCACCCAGGGGAC[AC>A]CGCAGCTGCCCAAAGCCCTGGGCATCCAACCACCCAGCTGCTCCAGAGAGGAACAAGGGG-3'

ClinVar aggregate classification (germline): Uncertain significance (1 of 4 stars; one submission).

Conditions:
SYNPO-related disorder. Also called: SYNPO-related condition.

Submission:

PreventionGenetics, part of Exact Sciences
Classification: Uncertain significance for SYNPO-related condition. Last evaluated: 2023-08-19. Review status: criteria provided, single submitter. Criteria: ACMG Guidelines, 2015. Collection method: clinical testing. Allele origin: germline.
Comment: The SYNPO c.230delC variant is predicted to result in a frameshift and premature protein termination (p.Pro77Argfs*34). To our knowledge, this variant has not been reported in the literature or in a large population database, indicating this variant is rare. To date, this gene hasn't been validated to be a disease causing gene even though variants in this gene have been reported in individuals with developmental delay, focal segmental glomerulosclerosis or periventricular nodular heterotopia (Bloss et al. 2015. PubMed ID: 25790160; Klämbt et al. 2021. PubMed ID: 33615071; Dai et al. 2010. PubMed ID: 19666657; Heinzen et al. 2018. PubMed ID: 29738522). At this time, the clinical significance of this variant is uncertain due to the absence of conclusive functional and genetic evidence.